The following is an entry in ClinVar:

ClinVar aggregate classification (germline): Pathogenic (1 of 4 stars; one submission).

Submission:

Labcorp Genetics (formerly Invitae), Labcorp
Classification: Pathogenic. Last evaluated: 2023-06-14. Review status: criteria provided, single submitter. Criteria: Invitae Variant Classification Sherloc (09022015). Collection method: clinical testing. Allele origin: germline.
Comment: For these reasons, this variant has been classified as Pathogenic. This variant has not been reported in the literature in individuals affected with FH-related conditions. This variant is a gross deletion of the genomic region encompassing exon(s) 1-2 of the FH gene, which includes the initiator codon. This deletion extends beyond the assayed region for this gene and therefore may encompass additional genes. It is expected to result in an absent or disrupted protein product. Loss-of-function variants in FH are known to be pathogenic (PMID: 11865300, 21398687).

Literature cited by the submitters: PubMed 11865300; PubMed 21398687.

NC_000001.10:g.(?_241680472)_(241683022_?)del

Gene: FH (fumarate hydratase; minus strand). Cytogenetic location: 1q43.
Variant type: Deletion.
Identifiers: ClinVar variation 1454605 (VCV001454605.42).